The following is an entry in ClinVar:

ClinVar aggregate classification (germline): Uncertain significance (1 of 4 stars; one submission).

Conditions:
Familial thoracic aortic aneurysm and aortic dissection (TAAD). Also called: Thoracic aortic aneurysms and dissections. Identifiers: Orphanet 91387, MedGen C4707243, MONDO:0019625.
Marfan syndrome (MFS). Also called: Marfan syndrome, classic; Marfan syndrome type 1; Marfan's syndrome; FBN1-Related Marfan Syndrome; MARFAN SYNDROME, TYPE I. Identifiers: Orphanet 284963, Orphanet 558, MedGen C0024796, MONDO:0007947, OMIM 154700.

Submission:

Labcorp Genetics (formerly Invitae), Labcorp
Classification: Uncertain significance for Marfan syndrome; Familial thoracic aortic aneurysm and aortic dissection. Last evaluated: 2022-02-23. Review status: criteria provided, single submitter. Criteria: Invitae Variant Classification Sherloc (09022015). Collection method: clinical testing. Allele origin: germline.
Comment: In summary, the available evidence is currently insufficient to determine the role of this variant in disease. Therefore, it has been classified as a Variant of Uncertain Significance. Advanced modeling of protein sequence and biophysical properties (such as structural, functional, and spatial information, amino acid conservation, physicochemical variation, residue mobility, and thermodynamic stability) performed at Invitae indicates that this missense variant is expected to disrupt FBN1 protein function. ClinVar contains an entry for this variant (Variation ID: 933319). This variant has not been reported in the literature in individuals affected with FBN1-related conditions. This variant is not present in population databases (gnomAD no frequency). This sequence change replaces methionine, which is neutral and non-polar, with valine, which is neutral and non-polar, at codon 1679 of the FBN1 protein (p.Met1679Val).

NM_000138.5(FBN1):c.5035A>G (p.Met1679Val)

Gene: FBN1 (fibrillin 1; minus strand). Cytogenetic location: 15q21.1.
Variant type: single nucleotide variant.
Coding change: c.5035A>G on transcript NM_000138.5 (MANE Select); coding-DNA position 5035, A replaced by G.
Protein change: p.Met1679Val; replaces methionine 1679 with valine.
Molecular consequence: missense variant.
Genome position (GRCh38, 1-based): chr15:48,463,929, T>C on the plus strand (A>G on the coding strand, the complement: FBN1 is on the minus strand). VCF-style: chr15-48463929-T-C. GRCh37 (hg19) VCF-style: chr15-48756126-T-C.
Other names: short protein forms M1679V.
Identifiers: ClinVar variation 933319 (VCV000933319.7), dbSNP rs759114752, ClinGen allele CA392349734.